The following is an entry in ClinVar:

NC_000002.11:g.(?_48033429)_(48033905_?)del

Gene: MSH6 (mutS homolog 6; plus strand). Cytogenetic location: 2p16.3.
Variant type: Deletion.
Identifiers: ClinVar variation 1348691 (VCV001348691.7).

ClinVar aggregate classification (germline): Likely pathogenic (1 of 4 stars; one submission).

Conditions:
Hereditary nonpolyposis colorectal neoplasms. Identifiers: MedGen C0009405, MeSH D003123.

Submission:

Labcorp Genetics (formerly Invitae), Labcorp
Classification: Likely pathogenic for Hereditary nonpolyposis colorectal neoplasms. Last evaluated: 2021-04-22. Review status: criteria provided, single submitter. Criteria: Invitae Variant Classification Sherloc (09022015). Collection method: clinical testing. Allele origin: germline.
Comment: In summary, the currently available evidence indicates that the variant is pathogenic, but additional data are needed to prove that conclusively. Therefore, this variant has been classified as Likely Pathogenic. The region of the MSH6 gene that includes exon 8 (c.3744_3773del) has been determined to be clinically significant (Invitae). Therefore, deletions that encompass that region are likely to disrupt protein function and cause disease. Nucleotide substitutions within the consensus splice site are a relatively common cause of aberrant splicing (PMID: 17576681, 9536098). This variant has not been reported in the literature in individuals with MSH6-related conditions. This variant results in the deletion of exon 9 and part of exon 8 (c.3736_4002-10del) of the MSH6 gene. While this variant is not anticipated to result in nonsense mediated decay, it likely alters RNA splicing and results in a disrupted protein product.

Literature cited by the submitters: PubMed 17576681; PubMed 9536098.